The following is an entry in ClinVar:

NM_015311.3(OBSL1):c.3095G>A (p.Ser1032Asn)

Gene: OBSL1 (obscurin like cytoskeletal adaptor 1; minus strand). Cytogenetic location: 2q35.
Variant type: single nucleotide variant.
Coding change: c.3095G>A on transcript NM_015311.3 (MANE Select); coding-DNA position 3095, G replaced by A.
Protein change: p.Ser1032Asn; replaces serine 1032 with asparagine.
Molecular consequence: missense variant.
Genome position (GRCh38, 1-based): chr2:219,559,356, C>T on the plus strand (G>A on the coding strand, the complement: OBSL1 is on the minus strand). VCF-style: chr2-219559356-C-T. GRCh37 (hg19) VCF-style: chr2-220424078-C-T.
Other names: c.3095G>A, p.Ser1032Asn (NM_001173431.2); short protein forms S1032N.
Identifiers: ClinVar variation 3235025 (VCV003235025.1), dbSNP rs2546247336, ClinGen allele CA350739815.

ClinVar aggregate classification (germline): Uncertain significance (1 of 4 stars; one submission).

Conditions:
3M syndrome 2. Also called: 3-M Syndrome, OBSL1-Related; THREE M SYNDROME 2. Identifiers: Orphanet 2616, MedGen C2752041, MONDO:0013039, OMIM 612921.

Allele frequency attached by ClinVar (database versions not stated): gnomAD exomes below 0.00001.

Submission:

Neuberg Centre For Genomic Medicine, NCGM
Classification: Uncertain significance for 3M syndrome 2. Review status: criteria provided, single submitter. Criteria: ACMG Guidelines, 2015. Collection method: clinical testing. Allele origin: germline. Inheritance: Autosomal recessive inheritance. Affected: yes.
Comment: The missense c.3095G>Ap.Ser1032Asn variant in OBSL1 gene has not been reported previously as a pathogenic variant nor as a benign variant, to our knowledge. The p.Ser1032Asn variant is novel not in any individuals in gnomAD Exomes and 1000 Genomes. This variant has not been reported to the ClinVar database. The amino acid change p.Ser1032Asn in OBSL1 is predicted as conserved by GERP++ and PhyloP across 100 vertebrates. The amino acid Ser at position 1032 is changed to a Asn changing protein sequence and it might alter its composition and physico-chemical properties. For these reasons, this variant has been classified as Variant of Uncertain Significance VUS.